The following is an entry in ClinVar:

NM_000051.4(ATM):c.5634G>A (p.Ser1878=)

Gene: ATM (ATM serine/threonine kinase; plus strand). Cytogenetic location: 11q22.3.
Variant type: single nucleotide variant.
Coding change: c.5634G>A on transcript NM_000051.4 (MANE Select); coding-DNA position 5634, G replaced by A.
Protein change: p.Ser1878=; no amino-acid change (serine 1878 retained).
Molecular consequence: synonymous variant.
Genome position (GRCh38, 1-based): chr11:108,304,812, G>A. VCF-style: chr11-108304812-G-A. GRCh37 (hg19) VCF-style: chr11-108175539-G-A.
Other names: c.5634G>A, p.Ser1878= (NM_001351834.2).
Identifiers: ClinVar variation 378989 (VCV000378989.25), dbSNP rs767070325, ClinGen allele CA6265742.

ClinVar aggregate classification (germline): Benign/Likely benign. Review status: criteria provided, multiple submitters, no conflicts (2 of 4 stars). 8 submissions from 8 submitters: Benign (1); Likely benign (7). Last evaluated 2026-01-27.

Conditions:
Hereditary cancer-predisposing syndrome. Also called: Tumor predisposition; Neoplastic Syndromes, Hereditary; Hereditary neoplastic syndrome; Hereditary Cancer Syndrome. Identifiers: Orphanet 140162, MedGen C0027672, MeSH D009386, MONDO:0015356.
Ataxia-telangiectasia syndrome (AT). Also called: Ataxia-telangiectasia, complementation group E; LOUIS-BAR SYNDROME; Cerebello-oculocutaneous telangiectasia; Immunodeficiency with ataxia telangiectasia; ATAXIA-TELANGIECTASIA, COMPLEMENTATION GROUP A; ATAXIA-TELANGIECTASIA, FRESNO VARIANT. Identifiers: Orphanet 100, MedGen C0004135, MONDO:0008840, OMIM 208900.
Breast and/or ovarian cancer. Identifiers: MedGen CN221562.
Familial cancer of breast. Also called: BREAST CANCER, FAMILIAL; Hereditary breast cancer; hereditary breast carcinoma. Identifiers: Orphanet 227535, MedGen C0346153, MONDO:0016419, OMIM 114480. Disease mechanism: loss of function.

Allele frequency attached by ClinVar (database versions not stated): gnomAD 0.00001; TOPMed 0.00001.
gnomAD v4.1: 30 of 1,612,528 alleles (0.0019%); highest among the groups gnomAD compares: Admixed American, 0.025%; no homozygotes.

Submissions (8):

Labcorp Genetics (formerly Invitae), Labcorp
Classification: Likely benign for Ataxia-telangiectasia syndrome. Last evaluated: 2026-01-27. Review status: criteria provided, single submitter. Criteria: Invitae Variant Classification Sherloc (09022015). Collection method: clinical testing. Allele origin: germline.

Ambry Genetics
Classification: Likely benign for Hereditary cancer-predisposing syndrome. Last evaluated: 2025-03-26. Review status: criteria provided, single submitter. Criteria: Ambry Variant Classification Scheme 2023. Collection method: clinical testing. Allele origin: germline.

Myriad Genetics, Inc.
Classification: Benign for Familial cancer of breast. Last evaluated: 2024-05-23. Review status: criteria provided, single submitter. Criteria: Myriad Autosomal Dominant, Autosomal Recessive and X-Linked Classification Criteria (2023). Collection method: clinical testing. Allele origin: unknown.
Comment: This variant is considered benign. This variant is a silent/synonymous amino acid change and it is not expected to impact splicing.

Blueprint Genetics
Classification: Likely benign. Last evaluated: 2024-03-14. Review status: criteria provided, single submitter. Criteria: ACMG Guidelines, 2015. Collection method: clinical testing. Allele origin: germline.

Women's Health and Genetics/Laboratory Corporation of America, LabCorp
Classification: Likely benign. Last evaluated: 2024-01-20. Review status: criteria provided, single submitter. Criteria: LabCorp Variant Classification Summary - May 2015. Collection method: clinical testing. Allele origin: germline.

GeneDx
Classification: Likely benign. Last evaluated: 2020-01-07. Review status: criteria provided, single submitter. Criteria: GeneDx Variant Classification Process June 2021. Collection method: clinical testing. Allele origin: germline. Affected: yes.
Comment: This variant is associated with the following publications: (PMID: 30287823)

CHEO Genetics Diagnostic Laboratory, Children's Hospital of Eastern Ontario
Classification: Likely benign for Breast and/or ovarian cancer. Last evaluated: 2019-09-16. Review status: criteria provided, single submitter. Criteria: ACMG Guidelines, 2015. Collection method: clinical testing. Allele origin: germline.

Color Diagnostics, LLC DBA Color Health
Classification: Likely benign for Hereditary cancer-predisposing syndrome. Last evaluated: 2017-08-14. Review status: criteria provided, single submitter. Criteria: ACMG Guidelines, 2015. Collection method: clinical testing. Allele origin: germline.